The following is an entry in ClinVar:

ClinVar aggregate classification (germline): Conflicting classifications of pathogenicity. Review status: criteria provided, conflicting classifications (1 of 4 stars). 4 submissions from 4 submitters: Pathogenic (3); Uncertain significance (1). Last evaluated 2025-09-14.

Conditions:
Hereditary cancer-predisposing syndrome. Also called: Hereditary Cancer Syndrome; Neoplastic Syndromes, Hereditary; Hereditary neoplastic syndrome; Tumor predisposition. Identifiers: Orphanet 140162, MedGen C0027672, MeSH D009386, MONDO:0015356.
Hereditary diffuse gastric adenocarcinoma (HDGC). Also called: DIFFUSE GASTRIC AND LOBULAR BREAST CANCER SYNDROME. Identifiers: Orphanet 26106, MedGen C1708349, MONDO:0007648, OMIM 137215.

Submissions (4):

Labcorp Genetics (formerly Invitae), Labcorp
Classification: Pathogenic. Last evaluated: 2025-09-14. Review status: criteria provided, single submitter. Criteria: Invitae Variant Classification Sherloc (09022015). Collection method: clinical testing. Allele origin: germline.
Comment: This sequence change creates a premature translational stop signal (p.Arg360Valfs*8) in the CTNNA1 gene. It is expected to result in an absent or disrupted protein product. Loss-of-function variants in CTNNA1 are known to be pathogenic (PMID: 32051609, 34425242). This variant is not present in population databases (gnomAD no frequency). This premature translational stop signal has been observed in individual(s) with breast cancer (PMID: 32051609). ClinVar contains an entry for this variant (Variation ID: 852483). For these reasons, this variant has been classified as Pathogenic.

Ambry Genetics
Classification: Pathogenic for Hereditary cancer-predisposing syndrome. Last evaluated: 2025-06-09. Review status: criteria provided, single submitter. Criteria: Ambry Variant Classification Scheme 2023. Collection method: clinical testing. Allele origin: germline.
Comment: The c.1078_1081delAGAA variant, located in coding exon 7 of the CTNNA1 gene, results from a deletion of 4 nucleotides at nucleotide positions 1078 to 1081, causing a translational frameshift with a predicted alternate stop codon (p.R360Vfs*8). This alteration is expected to result in loss of function by premature protein truncation or nonsense-mediated mRNA decay. As such, this alteration is interpreted as a disease-causing mutation.

Myriad Genetics, Inc.
Classification: Pathogenic for Hereditary diffuse gastric adenocarcinoma. Last evaluated: 2024-02-21. Review status: criteria provided, single submitter. Criteria: Myriad Autosomal Dominant, Autosomal Recessive and X-Linked Classification Criteria (2023). Collection method: clinical testing. Allele origin: unknown.
Comment: This variant is considered pathogenic. This variant creates a frameshift predicted to result in premature protein truncation.

Blueprint Genetics
Classification: Uncertain significance. Last evaluated: 2018-11-08. Review status: criteria provided, single submitter. Criteria: ACMG Guidelines, 2015. Collection method: clinical testing. Allele origin: germline.

Literature cited by the submitters: PubMed 32051609 (cited by Labcorp Genetics (formerly Invitae), Labcorp); PubMed 34425242 (cited by Labcorp Genetics (formerly Invitae), Labcorp).

NM_001903.5(CTNNA1):c.1078_1081del (p.Arg360fs)

Gene: CTNNA1 (catenin alpha 1; plus strand). Cytogenetic location: 5q31.2.
Variant type: Microsatellite.
Coding change: c.1078_1081del on transcript NM_001903.5 (MANE Select); coding-DNA positions 1078 to 1081, 4 bases deleted (AGAA; older notation c.1078_1081delAGAA).
Protein change: p.Arg360fs; shifts the reading frame from arginine 360.
Molecular consequence: frameshift variant. On other transcripts: 5 prime UTR variant (26), intron variant (2).
Genome position (GRCh38, 1-based): chr5:138,886,227-138,886,230, AGAA deleted; deleting any 4 consecutive bases within chr5:138,886,221-138,886,230 gives the same sequence; the c. name uses the placement nearest the transcript's 3' end. VCF-style (leftmost placement, unchanged base first): chr5-138886220-TAAAG-T. GRCh37 (hg19) VCF-style: chr5-138221909-TAAAG-T.
Other names: c.1078_1081del, p.Arg360fs (NM_001290307.3, NM_001323982.2, NM_001323983.1 and 3 more transcripts); c.769_772del, p.Arg257fs (NM_001290309.3); c.709_712del, p.Arg237fs (NM_001290310.3); c.-37AGAA[1] (NM_001290312.1, NM_001323987.1, NM_001323988.1 and 18 more transcripts); c.-434AGAA[1] (NM_001324006.1, NM_001324007.1, NM_001324008.1 and 1 more transcripts); c.-309AGAA[1] (NM_001324013.1); c.-58+10630_-58+10633del (NM_001324012.1); c.-61+10630_-61+10633del (NM_001324010.1); and 1 more; short protein forms R257fs, R237fs, R360fs.
Identifiers: ClinVar variation 852483 (VCV000852483.10), dbSNP rs1753991365, ClinGen allele CA916082772.